The following is an entry in ClinVar:

ClinVar aggregate classification (germline): Uncertain significance (1 of 4 stars; one submission).

Conditions:
Gastrointestinal stromal tumor. Also called: Gastrointestinal stroma tumor; Gastrointestinal stromal tumor, somatic. Identifiers: Orphanet 44890, MedGen C0238198, MeSH D046152, MONDO:0011719, OMIM 606764, HP:0100723.

Submission:

Labcorp Genetics (formerly Invitae), Labcorp
Classification: Uncertain significance for Gastrointestinal stromal tumor. Last evaluated: 2022-08-19. Review status: criteria provided, single submitter. Criteria: Invitae Variant Classification Sherloc (09022015). Collection method: clinical testing. Allele origin: germline.
Comment: In summary, the available evidence is currently insufficient to determine the role of this variant in disease. Therefore, it has been classified as a Variant of Uncertain Significance. Algorithms developed to predict the effect of missense changes on protein structure and function (SIFT, PolyPhen-2, Align-GVGD) all suggest that this variant is likely to be disruptive. This sequence change replaces lysine, which is basic and polar, with glutamine, which is neutral and polar, at codon 351 of the PDGFRA protein (p.Lys351Gln). This variant is not present in population databases (gnomAD no frequency). This variant has not been reported in the literature in individuals affected with PDGFRA-related conditions.

NM_006206.6(PDGFRA):c.1051A>C (p.Lys351Gln)

Gene: PDGFRA (platelet derived growth factor receptor alpha; plus strand). Cytogenetic location: 4q12.
Variant type: single nucleotide variant.
Coding change: c.1051A>C on transcript NM_006206.6 (MANE Select); coding-DNA position 1051, A replaced by C.
Protein change: p.Lys351Gln; replaces lysine 351 with glutamine.
Molecular consequence: missense variant.
Genome position (GRCh38, 1-based): chr4:54,267,671, A>C. VCF-style: chr4-54267671-A-C. GRCh37 (hg19) VCF-style: chr4-55133838-A-C.
Other names: c.1051A>C, p.Lys351Gln (NM_001347827.2, NM_001347829.2); c.1126A>C, p.Lys376Gln (NM_001347828.2); c.1090A>C, p.Lys364Gln (NM_001347830.2); short protein forms K351Q, K364Q, K376Q.
Identifiers: ClinVar variation 2087212 (VCV002087212.4), dbSNP rs2475456184, ClinGen allele CA356891687.